The following is an entry in ClinVar:

NM_000784.4(CYP27A1):c.1013A>T (p.Asp338Val)

Gene: CYP27A1 (cytochrome P450 family 27 subfamily A member 1; plus strand). Cytogenetic location: 2q35.
Variant type: single nucleotide variant.
Coding change: c.1013A>T on transcript NM_000784.4 (MANE Select); coding-DNA position 1013, A replaced by T.
Protein change: p.Asp338Val; replaces aspartic acid 338 with valine.
Molecular consequence: missense variant.
Genome position (GRCh38, 1-based): chr2:218,813,092, A>T. VCF-style: chr2-218813092-A-T. GRCh37 (hg19) VCF-style: chr2-219677815-A-T.
Other names: short protein forms D338V.
Identifiers: ClinVar variation 2451014 (VCV002451014.2), dbSNP rs1575206365, ClinGen allele CA350589150.

ClinVar aggregate classification (germline): Uncertain significance (1 of 4 stars; one submission).

Conditions:
Cardiovascular phenotype. Identifiers: MedGen CN230736.

Submission:

Ambry Genetics
Classification: Uncertain significance for Cardiovascular phenotype. Last evaluated: 2023-02-16. Review status: criteria provided, single submitter. Criteria: Ambry Variant Classification Scheme 2023. Collection method: clinical testing. Allele origin: germline.
Comment: The p.D338V variant (also known as c.1013A>T), located in coding exon 5 of the CYP27A1 gene, results from an A to T substitution at nucleotide position 1013. The aspartic acid at codon 338 is replaced by valine, an amino acid with highly dissimilar properties. This amino acid position is conserved. In addition, this alteration is predicted to be deleterious by in silico analysis. Since supporting evidence is limited at this time, the clinical significance of this alteration remains unclear.